The following is an entry in ClinVar:

NM_174936.4(PCSK9):c.404T>C (p.Leu135Ser)

Gene: PCSK9 (proprotein convertase subtilisin/kexin type 9; plus strand). Cytogenetic location: 1p32.3.
Variant type: single nucleotide variant.
Coding change: c.404T>C on transcript NM_174936.4 (MANE Select); coding-DNA position 404, T replaced by C.
Protein change: p.Leu135Ser; replaces leucine 135 with serine.
Molecular consequence: missense variant.
Genome position (GRCh38, 1-based): chr1:55,046,527, T>C. VCF-style: chr1-55046527-T-C. GRCh37 (hg19) VCF-style: chr1-55512200-T-C.
Other names: short protein forms L135S.
Identifiers: ClinVar variation 924430 (VCV000924430.15), dbSNP rs745916051, ClinGen allele CA042057.

ClinVar aggregate classification (germline): Uncertain significance. Review status: criteria provided, multiple submitters, no conflicts (2 of 4 stars). 4 submissions from 4 submitters: Uncertain significance (4). Last evaluated 2025-08-09.

Conditions:
Cardiovascular phenotype. Identifiers: MedGen CN230736.
Familial hypercholesterolemia. Also called: Familial hypercholesterolemias; Familial hypercholesterolaemia. Identifiers: MedGen C0020445, MONDO:0005439.
Hypercholesterolemia, autosomal dominant, 3 (FHCL3). Also called: Familial hypercholesterolemia 3; Familial Hypercholesterolemia, Autosomal Dominant, 3; PCSK9-Related Familial Hypercholesterolemia, Autosomal Dominant. Identifiers: MedGen C1863551, MONDO:0011369, OMIM 603776.

Allele frequency attached by ClinVar (database versions not stated): gnomAD 0.00001; TOPMed 0.00001; ExAC 0.00002; gnomAD exomes 0.00002.
gnomAD v4.1: 44 of 1,614,054 alleles (0.0027%); highest among the groups gnomAD compares: Non-Finnish European, 0.0036%; no homozygotes.

Submissions (4):

Ambry Genetics
Classification: Uncertain significance for Cardiovascular phenotype. Last evaluated: 2025-08-09. Review status: criteria provided, single submitter. Criteria: Ambry Variant Classification Scheme 2023. Collection method: clinical testing. Allele origin: germline.
Comment: The p.L135S variant (also known as c.404T>C), located in coding exon 3 of the PCSK9 gene, results from a T to C substitution at nucleotide position 404. The leucine at codon 135 is replaced by serine, an amino acid with dissimilar properties. This amino acid position is well conserved in available vertebrate species. In addition, this alteration is predicted to be tolerated by in silico analysis. Since supporting evidence is limited at this time, the clinical significance of this alteration remains unclear.

Labcorp Genetics (formerly Invitae), Labcorp
Classification: Uncertain significance for Hypercholesterolemia, autosomal dominant, 3. Last evaluated: 2024-11-10. Review status: criteria provided, single submitter. Criteria: Invitae Variant Classification Sherloc (09022015). Collection method: clinical testing. Allele origin: germline.
Comment: This sequence change replaces leucine, which is neutral and non-polar, with serine, which is neutral and polar, at codon 135 of the PCSK9 protein (p.Leu135Ser). This variant is present in population databases (rs745916051, gnomAD 0.003%). This variant has not been reported in the literature in individuals affected with PCSK9-related conditions. ClinVar contains an entry for this variant (Variation ID: 924430). Invitae Evidence Modeling of protein sequence and biophysical properties (such as structural, functional, and spatial information, amino acid conservation, physicochemical variation, residue mobility, and thermodynamic stability) indicates that this missense variant is not expected to disrupt PCSK9 protein function with a negative predictive value of 80%. In summary, the available evidence is currently insufficient to determine the role of this variant in disease. Therefore, it has been classified as a Variant of Uncertain Significance.

Color Diagnostics, LLC DBA Color Health
Classification: Uncertain significance for Familial hypercholesterolemia. Last evaluated: 2024-03-06. Review status: criteria provided, single submitter. Criteria: ACMG Guidelines, 2015. Collection method: clinical testing. Allele origin: germline.
Comment: This missense variant replaces leucine with serine at codon 135 of the PCSK9 protein. Computational prediction suggests that this variant may not impact protein structure and function (internally defined REVEL score threshold <= 0.5, PMID: 27666373). To our knowledge, functional studies have not been reported for this variant. This variant has not been reported in individuals affected with PCSK9-related disorders in the literature. This variant has been identified in 4/251492 chromosomes in the general population by the Genome Aggregation Database (gnomAD). The available evidence is insufficient to determine the role of this variant in disease conclusively. Therefore, this variant is classified as a Variant of Uncertain Significance.

All of Us Research Program, National Institutes of Health
Classification: Uncertain significance for Hypercholesterolemia, autosomal dominant, 3. Last evaluated: 2024-01-11. Review status: criteria provided, single submitter. Criteria: ACMG Guidelines, 2015. Collection method: clinical testing. Allele origin: germline. Inheritance: Autosomal dominant inheritance. Observed: 7 variant alleles, 7 heterozygotes.
Comment: This missense variant replaces leucine with serine at codon 135 of the PCSK9 protein. Computational prediction tool suggests that this variant may not impact protein structure and function (internally defined REVEL score threshold <=0.5, PMID: 27666373). Splice site prediction tools suggest that this variant may not impact RNA splicing. To our knowledge, functional studies have not been performed for this variant. This variant has not been reported in individuals affected with familial hypercholesterolemia in the literature. This variant has been identified in 4/251492 chromosomes in the general population by the Genome Aggregation Database (gnomAD). The available evidence is insufficient to determine the role of this variant in disease conclusively. Therefore, this variant is classified as a Variant of Uncertain Significance.

This study involves interpretation of variants in research participants for the purpose of population health screening. Participant phenotype was not available at the time of variant classification. Additional details can be found in publication PMID: 35346344, PMCID: PMC8962531